The following is an entry in ClinVar:

NM_000059.4(BRCA2):c.467A>T (p.Asp156Val)

Gene: BRCA2 (BRCA2 DNA repair associated; plus strand). Cytogenetic location: 13q13.1.
Variant type: single nucleotide variant.
Coding change: c.467A>T on transcript NM_000059.4 (MANE Select); coding-DNA position 467, A replaced by T.
Protein change: p.Asp156Val; replaces aspartic acid 156 with valine.
Molecular consequence: missense variant.
Genome position (GRCh38, 1-based): chr13:32,326,142, A>T. VCF-style: chr13-32326142-A-T. GRCh37 (hg19) VCF-style: chr13-32900279-A-T.
Other names: short protein forms D156V.
Identifiers: ClinVar variation 491279 (VCV000491279.14), dbSNP rs68071147, ClinGen allele CA387757218.
Genomic context (GRCh38, chr13:32,326,142, plus strand): 5'-TTGCTTTGTTTTATTTTAGTCCTGTTGTTCTACAATGTACACATGTAACACCACAAAGAG[A>T]TAAGTCAGGTATGATTAAAAACAATGCTTTTTATTCTTAGAATACTAGAAATGTTAATAA-3'
Protein context (NP_000050.3, residues 146-166): LQCTHVTPQR[Asp156Val]KSVVCGSLFH

ClinVar aggregate classification (germline): Uncertain significance. Review status: criteria provided, multiple submitters, no conflicts (2 of 4 stars). 3 submissions from 3 submitters: Uncertain significance (3). Last evaluated 2025-12-22.

Conditions:
Hereditary breast ovarian cancer syndrome. Also called: Hereditary breast and/or ovarian cancer syndrome; BRCA1- and BRCA2-Associated Hereditary Breast and Ovarian Cancer; Breast and ovarian cancer; Hereditary breast and ovarian cancer; Hereditary breast and ovarian cancer syndrome; Hereditary breast and ovarian cancer syndrome (HBOC). Identifiers: Orphanet 145, MedGen C0677776, MeSH D061325, MONDO:0003582. Disease mechanism: loss of function.
Hereditary cancer-predisposing syndrome. Also called: Hereditary neoplastic syndrome; Tumor predisposition; Hereditary Cancer Syndrome; Neoplastic Syndromes, Hereditary. Identifiers: Orphanet 140162, MedGen C0027672, MeSH D009386, MONDO:0015356.

Submissions (3):

Labcorp Genetics (formerly Invitae), Labcorp
Classification: Uncertain significance for Hereditary breast ovarian cancer syndrome. Last evaluated: 2025-12-22. Review status: criteria provided, single submitter. Criteria: Invitae Variant Classification Sherloc (09022015). Collection method: clinical testing. Allele origin: germline.
Comment: This sequence change replaces aspartic acid, which is acidic and polar, with valine, which is neutral and non-polar, at codon 156 of the BRCA2 protein (p.Asp156Val). This variant is not present in population databases (gnomAD no frequency). This variant has not been reported in the literature in individuals affected with BRCA2-related conditions. ClinVar contains an entry for this variant (Variation ID: 491279). Invitae Evidence Modeling of protein sequence and biophysical properties (such as structural, functional, and spatial information, amino acid conservation, physicochemical variation, residue mobility, and thermodynamic stability) indicates that this missense variant is not expected to disrupt BRCA2 protein function with a negative predictive value of 95%. In summary, the available evidence is currently insufficient to determine the role of this variant in disease. Therefore, it has been classified as a Variant of Uncertain Significance.

Ambry Genetics
Classification: Uncertain significance for Hereditary cancer-predisposing syndrome. Last evaluated: 2025-09-16. Review status: criteria provided, single submitter. Criteria: Ambry Variant Classification Scheme 2023. Collection method: clinical testing. Allele origin: germline.
Comment: The p.D156V variant (also known as c.467A>T), located in coding exon 4 of the BRCA2 gene, results from an A to T substitution at nucleotide position 467. The aspartic acid at codon 156 is replaced by valine, an amino acid with highly dissimilar properties. This amino acid position is poorly conserved in available vertebrate species. In addition, this alteration is predicted to be tolerated by in silico analysis. Based on the available evidence, the clinical significance of this variant remains unclear.

Color Diagnostics, LLC DBA Color Health
Classification: Uncertain significance for Hereditary cancer-predisposing syndrome. Last evaluated: 2019-04-22. Review status: criteria provided, single submitter. Criteria: ACMG Guidelines, 2015. Collection method: clinical testing. Allele origin: germline.